The following is an entry in ClinVar:

ClinVar aggregate classification (germline): Uncertain significance (1 of 4 stars; one submission).

Conditions:
Inborn genetic diseases. Identifiers: MedGen C0950123, MeSH D030342.

Submission:

Ambry Genetics
Classification: Uncertain significance for Inborn genetic diseases. Last evaluated: 2025-02-14. Review status: criteria provided, single submitter. Criteria: Ambry Variant Classification Scheme 2023. Collection method: clinical testing. Allele origin: germline.
Comment: The p.Y282D variant (also known as c.844T>G), located in coding exon 8 of the CEP57 gene, results from a T to G substitution at nucleotide position 844. The tyrosine at codon 282 is replaced by aspartic acid, an amino acid with highly dissimilar properties. This amino acid position is conserved. In addition, this alteration is predicted to be deleterious by in silico analysis. Based on the available evidence, the clinical significance of this variant remains unclear.

NM_014679.5(CEP57):c.844T>G (p.Tyr282Asp)

Gene: CEP57 (centrosomal protein 57; plus strand). Cytogenetic location: 11q21.
Variant type: single nucleotide variant.
Coding change: c.844T>G on transcript NM_014679.5 (MANE Select); coding-DNA position 844, T replaced by G.
Protein change: p.Tyr282Asp; replaces tyrosine 282 with aspartic acid.
Molecular consequence: missense variant. On other transcripts: intron variant (1).
Genome position (GRCh38, 1-based): chr11:95,822,535, T>G. VCF-style: chr11-95822535-T-G. GRCh37 (hg19) VCF-style: chr11-95555699-T-G.
Other names: c.817T>G, p.Tyr273Asp (NM_001243776.2); c.763T>G, p.Tyr255Asp (NM_001363604.2); c.807+557T>G (NM_001243777.2); short protein forms Y255D, Y273D, Y282D.
Identifiers: ClinVar variation 3831997 (VCV003831997.1).